The following is an entry in ClinVar:

NM_024426.6(WT1):c.280G>A (p.Gly94Ser)

Genes: WT1 (WT1 transcription factor; minus strand), LOC107982234 (WT1/WT1-AS bi-directional promoter region; plus strand). Cytogenetic location: 11p13.
Variant type: single nucleotide variant.
Coding change: c.280G>A on transcript NM_024426.6 (MANE Select); coding-DNA position 280, G replaced by A.
Protein change: p.Gly94Ser; replaces glycine 94 with serine.
Molecular consequence: missense variant. On other transcripts: non-coding transcript variant (1).
Genome position (GRCh38, 1-based): chr11:32,435,081, C>T on the plus strand (G>A on the coding strand, the complement: WT1 is on the minus strand). VCF-style: chr11-32435081-C-T. GRCh37 (hg19) VCF-style: chr11-32456627-C-T.
Other names: c.280G>A, p.Gly94Ser (NM_000378.6, NM_024424.5); short protein forms G94S.
Identifiers: ClinVar variation 838653 (VCV000838653.8), dbSNP rs758512604, ClinGen allele CA064798.
Genomic context (GRCh38, chr11:32,435,081, plus strand): 5'-CAAAGTCCAGCACCGGCGCCCACTGCGCCGCGCCGCTCACAGGCAGGGCACAGCCGCCGC[C>T]GCCACCCAGGGAGGGGACGGCGGGCAGCAGCGCGTTCAGGTCCCGCACGTCGGAGCCCAT-3'
Protein context (NP_077744.4, residues 84-104): LLPAVPSLGG[Gly94Ser]GGCALPVSGA

ClinVar aggregate classification (germline): Uncertain significance. Review status: criteria provided, multiple submitters, no conflicts (2 of 4 stars). 2 submissions from 2 submitters: Uncertain significance (2). Last evaluated 2025-07-24.

Conditions:
Drash syndrome (DDS). Also called: WILMS TUMOR AND PSEUDO- OR TRUE HERMAPHRODITISM; NEPHROPATHY, WILMS TUMOR, AND GENITAL ANOMALIES. Identifiers: Orphanet 220, MedGen C0950121, MONDO:0008682, OMIM 194080.
Frasier syndrome. Identifiers: Orphanet 347, MedGen C0950122, MeSH D052159, MONDO:0007635, OMIM 136680.
Wilms tumor 1 (WT1). Also called: Wilms tumor, somatic. Identifiers: Orphanet 654, MedGen CN033288, MONDO:0008679, OMIM 194070.
11p partial monosomy syndrome (WAGR). Also called: WAGR Complex; CHROMOSOME 11p13 DELETION SYNDROME; WAGR syndrome; WAGR Spectrum Disorder. Identifiers: Orphanet 893, MedGen C0206115, MONDO:0008681, OMIM 194072.
Inborn genetic diseases. Identifiers: MedGen C0950123, MeSH D030342.

Allele frequency attached by ClinVar (database versions not stated): TOPMed 0.00001; ExAC 0.00017.

Submissions (2):

Ambry Genetics
Classification: Uncertain significance for Inborn genetic diseases. Last evaluated: 2025-07-24. Review status: criteria provided, single submitter. Criteria: Ambry Variant Classification Scheme 2023. Collection method: clinical testing. Allele origin: germline.
Comment: The p.G89S variant (also known as c.265G>A), located in coding exon 1 of the WT1 gene, results from a G to A substitution at nucleotide position 265. The glycine at codon 89 is replaced by serine, an amino acid with similar properties. This amino acid position is well conserved in available vertebrate species. In addition, this alteration is predicted to be tolerated by in silico analysis. Based on the available evidence, the clinical significance of this variant remains unclear.

Labcorp Genetics (formerly Invitae), Labcorp
Classification: Uncertain significance for Wilms tumor 1; Drash syndrome; 11p partial monosomy syndrome; Frasier syndrome. Last evaluated: 2024-12-30. Review status: criteria provided, single submitter. Criteria: Invitae Variant Classification Sherloc (09022015). Collection method: clinical testing. Allele origin: germline.
Comment: This sequence change replaces glycine, which is neutral and non-polar, with serine, which is neutral and polar, at codon 89 of the WT1 protein (p.Gly89Ser). The frequency data for this variant in the population databases is considered unreliable, as metrics indicate poor data quality at this position in the gnomAD database. This variant has not been reported in the literature in individuals affected with WT1-related conditions. ClinVar contains an entry for this variant (Variation ID: 838653). Invitae Evidence Modeling of protein sequence and biophysical properties (such as structural, functional, and spatial information, amino acid conservation, physicochemical variation, residue mobility, and thermodynamic stability) indicates that this missense variant is not expected to disrupt WT1 protein function with a negative predictive value of 95%. In summary, the available evidence is currently insufficient to determine the role of this variant in disease. Therefore, it has been classified as a Variant of Uncertain Significance.